The following is an entry in ClinVar:

NM_152701.5(ABCA13):c.9484C>T (p.Arg3162Ter)

Gene: ABCA13 (ATP binding cassette subfamily A member 13; plus strand). Cytogenetic location: 7p12.3.
Variant type: single nucleotide variant.
Coding change: c.9484C>T on transcript NM_152701.5 (MANE Select); coding-DNA position 9484, C replaced by T.
Protein change: p.Arg3162Ter; replaces arginine 3162 with a stop codon.
Molecular consequence: nonsense.
Genome position (GRCh38, 1-based): chr7:48,310,109, C>T. VCF-style: chr7-48310109-C-T. GRCh37 (hg19) VCF-style: chr7-48349706-C-T.
Other names: short protein forms R3162*.
Identifiers: ClinVar variation 4885036 (VCV004885036.2).

ClinVar aggregate classification (germline): Uncertain significance (1 of 4 stars; one submission).

gnomAD v4.1: 25 of 1,612,748 alleles (0.0016%); highest among the groups gnomAD compares: South Asian, 0.0044%; no homozygotes.

Submission:

Dasa
Classification: Uncertain significance. Last evaluated: 2025-11-27. Review status: criteria provided, single submitter. Criteria: DASA Assertion Criteria. Collection method: clinical testing. Allele origin: germline.
Comment: NM_152701.5(ABCA13):c.9484C>T (p.Arg3162*) is a nonsense variant in ABCA13 predicted to introduce a premature termination codon. This variant is rare in population databases. The currently available literature and clinical evidence are not sufficient to establish a definitive association between this variant and the reported condition. Therefore, this variant is classified as a variant of uncertain significance.